The following is an entry in ClinVar:

NM_000274.4(OAT):c.648+2T>A

Gene: OAT (ornithine aminotransferase; minus strand). Cytogenetic location: 10q26.13.
Variant type: single nucleotide variant.
Coding change: c.648+2T>A on transcript NM_000274.4 (MANE Select); the canonical splice donor site of the intron after coding-DNA position 648, T replaced by A.
Molecular consequence: splice donor variant.
Genome position (GRCh38, 1-based): chr10:124,405,434, A>T on the plus strand (T>A on the coding strand, the complement: OAT is on the minus strand). VCF-style: chr10-124405434-A-T. GRCh37 (hg19) VCF-style: chr10-126094003-A-T.
Other names: c.648+2T>A (NM_001322965.2, NM_001322969.2, NM_001322966.2 and 3 more transcripts); c.234+2T>A (NM_001171814.2); c.48+2T>A (NM_001322974.2); c.327+2T>A (NM_001322971.2).
Identifiers: ClinVar variation 4818082 (VCV004818082.1).
Genomic context (GRCh38, chr10:124,405,434, plus strand): 5'-TATATTCAACAGCTTTAATTTCTATTCCCAATGAGCTGAGCACTATGATGCTAGTGAAAT[A>T]CCTCCAGTGCGGGCAGATCATTATAGGGAATGATGTCGAATCCCGGCATAAATGGTCCAA-3'

ClinVar aggregate classification (germline): Likely pathogenic (1 of 4 stars; one submission).

Conditions:
Ornithine aminotransferase deficiency (GACR). Also called: HYPERORNITHINEMIA WITH GYRATE ATROPHY OF CHOROID AND RETINA; OAT DEFICIENCY; OKT DEFICIENCY; Ornithine ketoacid aminotransferase deficiency; Gyrate atrophy; Gyrate atrophy of choroid and retina. Identifiers: Orphanet 414, MedGen C0018425, MONDO:0009796, OMIM 258870.

Submission:

Natera, Inc.
Classification: Likely pathogenic for Gyrate atrophy. Last evaluated: 2024-04-29. Review status: criteria provided, single submitter. Criteria: Natera Variant Classification Schema (03/2026). Collection method: clinical testing. Allele origin: germline.
Comment: The c.648+2T>A variant in OAT is a canonical splice donor site variant predicted to affect pre-mRNA splicing, which may result in an abnormal transcript and altered protein product. This variant is expected to result in nonsense mediated decay, truncation, or a dysfunctional protein product. This variant is rare in the general population with a frequency below the threshold expected for the associated phenotype(s). Given the available evidence, this variant is classified as Likely Pathogenic.